The following is an entry in ClinVar:

ClinVar aggregate classification (germline): Uncertain significance. Review status: criteria provided, multiple submitters, no conflicts (2 of 4 stars). 3 submissions from 3 submitters: Uncertain significance (3). Last evaluated 2025-11-04.

Conditions:
Cardiovascular phenotype. Identifiers: MedGen CN230736.

Allele frequency attached by ClinVar (database versions not stated): ESP Exome Variant Server 0.00008; gnomAD 0.00001; TOPMed 0.00002.
gnomAD v4.1: 2 of 1,613,954 alleles (0.00012%); highest among the groups gnomAD compares: African/African-American, 0.0027%; no homozygotes.

Submissions (3):

Ambry Genetics
Classification: Uncertain significance for Cardiovascular phenotype. Last evaluated: 2025-11-04. Review status: criteria provided, single submitter. Criteria: Ambry Variant Classification Scheme 2023. Collection method: clinical testing. Allele origin: germline.
Comment: The p.S801P variant (also known as c.2401T>C), located in coding exon 6 of the ALPK3 gene, results from a T to C substitution at nucleotide position 2401. The serine at codon 801 is replaced by proline, an amino acid with similar properties. This amino acid position is not well conserved in available vertebrate species. In addition, this alteration is predicted to be tolerated by in silico analysis. Since supporting evidence is limited at this time, the clinical significance of this alteration remains unclear.

GeneDx
Classification: Uncertain significance. Last evaluated: 2025-05-07. Review status: criteria provided, single submitter. Criteria: GeneDx Variant Classification Process June 2021. Collection method: clinical testing. Allele origin: germline. Affected: yes.
Comment: Not observed at significant frequency in large population cohorts (gnomAD); In silico analysis suggests that this missense variant does not alter protein structure/function; Has not been previously published as pathogenic or benign to our knowledge

Labcorp Genetics (formerly Invitae), Labcorp
Classification: Uncertain significance. Last evaluated: 2023-12-06. Review status: criteria provided, single submitter. Criteria: Invitae Variant Classification Sherloc (09022015). Collection method: clinical testing. Allele origin: germline.
Comment: This sequence change replaces serine, which is neutral and polar, with proline, which is neutral and non-polar, at codon 801 of the ALPK3 protein (p.Ser801Pro). This variant is not present in population databases (gnomAD no frequency). This variant has not been reported in the literature in individuals affected with ALPK3-related conditions. ClinVar contains an entry for this variant (Variation ID: 1790746). An algorithm developed to predict the effect of missense changes on protein structure and function (PolyPhen-2) suggests that this variant is likely to be disruptive. In summary, the available evidence is currently insufficient to determine the role of this variant in disease. Therefore, it has been classified as a Variant of Uncertain Significance.

NM_020778.5(ALPK3):c.1795T>C (p.Ser599Pro)

Gene: ALPK3 (alpha kinase 3; plus strand). Cytogenetic location: 15q25.3.
Variant type: single nucleotide variant.
Coding change: c.1795T>C on transcript NM_020778.5 (MANE Select); coding-DNA position 1795, T replaced by C.
Protein change: p.Ser599Pro; replaces serine 599 with proline.
Molecular consequence: missense variant.
Genome position (GRCh38, 1-based): chr15:84,856,533, T>C. VCF-style: chr15-84856533-T-C. GRCh37 (hg19) VCF-style: chr15-85399764-T-C.
Other names: short protein forms S599P.
Identifiers: ClinVar variation 1790746 (VCV001790746.9), dbSNP rs140462062, ClinGen allele CA273623642.